The following is an entry in ClinVar:

ClinVar aggregate classification (germline): Likely benign (1 of 4 stars; one submission).

Submission:

CeGaT Center for Human Genetics Tuebingen
Classification: Likely benign. Last evaluated: 2024-11-01. Review status: criteria provided, single submitter. Criteria: CeGaT Center For Human Genetics Tuebingen Variant Classification Criteria Version 2. Collection method: clinical testing. Allele origin: germline. Affected: yes. Observed: 1 variant allele.
Comment: COG8: BP4, BP7

NM_032382.5(COG8):c.162C>T (p.Ser54=)

Gene: COG8 (component of oligomeric golgi complex 8; minus strand). Cytogenetic location: 16q22.1.
Variant type: single nucleotide variant.
Coding change: c.162C>T on transcript NM_032382.5 (MANE Select); coding-DNA position 162, C replaced by T.
Protein change: p.Ser54=; no amino-acid change (serine 54 retained).
Molecular consequence: synonymous variant.
Genome position (GRCh38, 1-based): chr16:69,339,391, G>A on the plus strand (C>T on the coding strand, the complement: COG8 is on the minus strand). VCF-style: chr16-69339391-G-A. GRCh37 (hg19) VCF-style: chr16-69373294-G-A.
Other names: c.162C>T, p.Ser54= (NM_001374871.1, NM_001379261.1, NM_001379262.1 and 4 more transcripts).
Identifiers: ClinVar variation 3389261 (VCV003389261.14).